The following is an entry in ClinVar:

ClinVar aggregate classification (germline): Likely pathogenic (1 of 4 stars; one submission).

Submission:

Dasa
Classification: Likely pathogenic. Last evaluated: 2025-08-13. Review status: criteria provided, single submitter. Criteria: DASA Assertion Criteria. Collection method: clinical testing. Allele origin: germline.
Comment: NM_052867.4(NALCN):c.1778del (p.Leu593Cysfs*10) is a frameshift variant in NALCN predicted to alter the reading frame and introduce a premature termination codon and is predicted to result in an absent or altered protein product. Loss of function is an established disease mechanism for NALCN-associated disorders. Also, this variant is absent from population databases. Based on the currently available evidence, this variant is classified as likely pathogenic.

NM_052867.4(NALCN):c.1778del (p.Leu593fs)

Gene: NALCN (sodium leak channel, non-selective; minus strand). Cytogenetic location: 13q33.1.
Variant type: Deletion.
Coding change: c.1778del on transcript NM_052867.4 (MANE Select); coding-DNA position 1778, one base deleted (T; older notation c.1778delT).
Protein change: p.Leu593fs; shifts the reading frame from leucine 593.
Molecular consequence: frameshift variant.
Genome position (GRCh38, 1-based): chr13:101,176,361, A deleted on the plus strand (T on the coding strand, the reverse complement: NALCN is on the minus strand); the first of 3 consecutive A bases (chr13:101,176,361-101,176,363); deleting any one gives the same sequence. VCF-style (leftmost placement, unchanged base first): chr13-101176360-CA-C. GRCh37 (hg19) VCF-style: chr13-101828711-CA-C.
Other names: c.1778del, p.Leu593fs (NM_001350748.2, NM_001350749.2); c.1691del, p.Leu564fs (NM_001350750.2, NM_001350751.2); short protein forms L564fs, L593fs.
Identifiers: ClinVar variation 4880595 (VCV004880595.2).
Genomic context (GRCh38, chr13:101,176,360, plus strand): 5'-TTGTTTAAGCTTCTTTAGGTCTTCATCAAGTTCTAAGTTGTCCAAAATAACAGCAACAAA[CA>C]AACTCAGGAGGATCTATAAAATGGTGAAATAACAATGAAAAAACCCACATGCCATAAGTA-3'